The following is an entry in ClinVar:

NM_001349798.2(FBXW7):c.502-2391A>C

Gene: FBXW7 (F-box and WD repeat domain containing 7; minus strand). Cytogenetic location: 4q31.3.
Variant type: single nucleotide variant.
Coding change: c.502-2391A>C on transcript NM_001349798.2 (MANE Select); 2391 bases into the intron before coding-DNA position 502, A replaced by C.
Molecular consequence: intron variant. On other transcripts: synonymous variant (1).
Genome position (GRCh38, 1-based): chr4:152,352,515, T>G on the plus strand (A>C on the coding strand, the complement: FBXW7 is on the minus strand). VCF-style: chr4-152352515-T-G. GRCh37 (hg19) VCF-style: chr4-153273667-T-G.
Other names: c.216A>C, p.Thr72= (NM_018315.5); c.148-2391A>C (NM_001013415.2); c.502-2391A>C (NM_033632.3).
Identifiers: ClinVar variation 3770541 (VCV003770541.13).

ClinVar aggregate classification (germline): Likely benign (1 of 4 stars; one submission).

gnomAD v4.1: 4,156 of 1,613,972 alleles (0.26%); highest among the groups gnomAD compares: Non-Finnish European, 0.32%; 6 homozygotes.

Submission:

CeGaT Center for Human Genetics Tuebingen
Classification: Likely benign. Last evaluated: 2026-08-01. Review status: criteria provided, single submitter. Criteria: CeGaT Center For Human Genetics Tuebingen Variant Classification Criteria Version 2. Collection method: clinical testing. Allele origin: germline. Affected: yes. Observed: 7 variant alleles.
Comment: FBXW7: BP4, BS2